The following is an entry in ClinVar:

NM_001166108.2(PALLD):c.2735G>C (p.Arg912Thr)

Genes: CBR4 (carbonyl reductase 4; minus strand), PALLD (palladin, cytoskeletal associated protein; plus strand). Cytogenetic location: 4q32.3.
Variant type: single nucleotide variant.
Coding change: c.2735G>C on transcript NM_001166108.2 (MANE Select); coding-DNA position 2735, G replaced by C.
Protein change: p.Arg912Thr; replaces arginine 912 with threonine.
Molecular consequence: missense variant.
Genome position (GRCh38, 1-based): chr4:168,915,912, G>C. VCF-style: chr4-168915912-G-C. GRCh37 (hg19) VCF-style: chr4-169837063-G-C.
Other names: c.1538G>C, p.Arg513Thr (NM_001166109.2); c.1223G>C, p.Arg408Thr (NM_001166110.2); c.563G>C, p.Arg188Thr (NM_001367567.1, NM_001367569.1); c.614G>C, p.Arg205Thr (NM_001367568.1, NM_001367570.1); c.2684G>C, p.Arg895Thr (NM_016081.4); short protein forms R205T, R513T, R895T, R408T, R188T, R912T.
Identifiers: ClinVar variation 1794707 (VCV001794707.2), dbSNP rs2534077806, ClinGen allele CA358706392.

ClinVar aggregate classification (germline): Uncertain significance (1 of 4 stars; one submission).

Submission:

Ambry Genetics
Classification: Uncertain significance. Last evaluated: 2022-07-27. Review status: criteria provided, single submitter. Criteria: Ambry Variant Classification Scheme 2023. Collection method: clinical testing. Allele origin: germline.
Comment: The p.R895T variant (also known as c.2684G>C), located in coding exon 15 of the PALLD gene, results from a G to C substitution at nucleotide position 2684. The arginine at codon 895 is replaced by threonine, an amino acid with similar properties. This amino acid position is conserved. In addition, the in silico prediction for this alteration is inconclusive. Since supporting evidence is limited at this time, the clinical significance of this alteration remains unclear.